The following is an entry in ClinVar:

NM_003705.5(SLC25A12):c.1819A>T (p.Ile607Phe)

Gene: SLC25A12 (solute carrier family 25 member 12; minus strand). Cytogenetic location: 2q31.1.
Variant type: single nucleotide variant.
Coding change: c.1819A>T on transcript NM_003705.5 (MANE Select); coding-DNA position 1819, A replaced by T.
Protein change: p.Ile607Phe; replaces isoleucine 607 with phenylalanine.
Molecular consequence: missense variant. On other transcripts: non-coding transcript variant (1).
Genome position (GRCh38, 1-based): chr2:171,787,587, T>A on the plus strand (A>T on the coding strand, the complement: SLC25A12 is on the minus strand). VCF-style: chr2-171787587-T-A. GRCh37 (hg19) VCF-style: chr2-172644097-T-A.
Other names: short protein forms I607F.
Identifiers: ClinVar variation 958707 (VCV000958707.7), dbSNP rs1690512314, ClinGen allele CA349287492.
Genomic context (GRCh38, chr2:171,787,587, plus strand): 5'-GGACTTAGTGATTTCTTTGTAAAGGAGTTGAGCAGCTGACTTACAGGCCTCCAAAATCAA[T>A]GTAAAACCACCGCTGGAGAAGTTCATAAGTGACCAAGGTAACACCAAACTGGGGAGAGGA-3'
Protein context (NP_003696.2, residues 597-617): TYELLQRWFY[Ile607Phe]DFGGLKPAGS

ClinVar aggregate classification (germline): Uncertain significance (1 of 4 stars; one submission).

Allele frequency attached by ClinVar (database versions not stated): gnomAD exomes below 0.00001.
gnomAD v4.1: 1 of 1,613,844 alleles (0.000062%); highest among the groups gnomAD compares: Non-Finnish European, 0.000085%; no homozygotes.

Submission:

Labcorp Genetics (formerly Invitae), Labcorp
Classification: Uncertain significance. Last evaluated: 2019-10-31. Review status: criteria provided, single submitter. Criteria: Invitae Variant Classification Sherloc (09022015). Collection method: clinical testing. Allele origin: germline.
Comment: In summary, the available evidence is currently insufficient to determine the role of this variant in disease. Therefore, it has been classified as a Variant of Uncertain Significance. Algorithms developed to predict the effect of missense changes on protein structure and function are either unavailable or do not agree on the potential impact of this missense change (SIFT: "Deleterious"; PolyPhen-2: "Benign"; Align-GVGD: "Class C0"). This variant has not been reported in the literature in individuals with SLC25A12-related conditions. This variant is not present in population databases (ExAC no frequency). This sequence change replaces isoleucine with phenylalanine at codon 607 of the SLC25A12 protein (p.Ile607Phe). The isoleucine residue is moderately conserved and there is a small physicochemical difference between isoleucine and phenylalanine.